The following is an entry in ClinVar:

ClinVar aggregate classification (germline): Uncertain significance. Review status: criteria provided, multiple submitters, no conflicts (2 of 4 stars). 2 submissions from 2 submitters: Uncertain significance (2). Last evaluated 2024-09-30.

Conditions:
Hereditary cancer-predisposing syndrome. Also called: Hereditary Cancer Syndrome; Neoplastic Syndromes, Hereditary; Tumor predisposition; Hereditary neoplastic syndrome. Identifiers: Orphanet 140162, MedGen C0027672, MeSH D009386, MONDO:0015356.
Cardiovascular phenotype. Identifiers: MedGen CN230736.
Neurofibromatosis, type 1 (NF1). Also called: VON RECKLINGHAUSEN DISEASE; Peripheral type neurofibromatosis; Neurofibromatosis, type I; NEUROFIBROMATOSIS, TYPE I, SOMATIC. Identifiers: Orphanet 636, MedGen C0027831, MONDO:0018975, OMIM 162200. Disease mechanism: loss of function.

Submissions (2):

Ambry Genetics
Classification: Uncertain significance for Cardiovascular phenotype; Hereditary cancer-predisposing syndrome. Last evaluated: 2024-09-30. Review status: criteria provided, single submitter. Criteria: Ambry Variant Classification Scheme 2023. Collection method: clinical testing. Allele origin: germline.
Comment: The p.E2210D variant (also known as c.6630A>C), located in coding exon 43 of the NF1 gene, results from an A to C substitution at nucleotide position 6630. The glutamic acid at codon 2210 is replaced by aspartic acid, an amino acid with highly similar properties. This amino acid position is conserved. In addition, the in silico prediction for this alteration is inconclusive. Based on the available evidence, the clinical significance of this variant remains unclear.

Labcorp Genetics (formerly Invitae), Labcorp
Classification: Uncertain significance for Neurofibromatosis, type 1. Last evaluated: 2021-09-10. Review status: criteria provided, single submitter. Criteria: Invitae Variant Classification Sherloc (09022015). Collection method: clinical testing. Allele origin: germline.
Comment: This sequence change replaces glutamic acid with aspartic acid at codon 2210 of the NF1 protein (p.Glu2210Asp). The glutamic acid residue is moderately conserved and there is a small physicochemical difference between glutamic acid and aspartic acid. This variant is not present in population databases (ExAC no frequency). This variant has not been reported in the literature in individuals affected with NF1-related conditions. Advanced modeling of protein sequence and biophysical properties (such as structural, functional, and spatial information, amino acid conservation, physicochemical variation, residue mobility, and thermodynamic stability) performed at Invitae indicates that this missense variant is not expected to disrupt NF1 protein function. In summary, the available evidence is currently insufficient to determine the role of this variant in disease. Therefore, it has been classified as a Variant of Uncertain Significance.

NM_001042492.3(NF1):c.6693A>C (p.Glu2231Asp)

Gene: NF1 (neurofibromin 1; plus strand). Cytogenetic location: 17q11.2.
Variant type: single nucleotide variant.
Coding change: c.6693A>C on transcript NM_001042492.3 (MANE Select); coding-DNA position 6693, A replaced by C.
Protein change: p.Glu2231Asp; replaces glutamic acid 2231 with aspartic acid.
Molecular consequence: missense variant.
Genome position (GRCh38, 1-based): chr17:31,337,869, A>C. VCF-style: chr17-31337869-A-C. GRCh37 (hg19) VCF-style: chr17-29664887-A-C.
Other names: c.6630A>C, p.Glu2210Asp (NM_000267.4); short protein forms E2210D, E2231D.
Identifiers: ClinVar variation 1346318 (VCV001346318.7), dbSNP rs777588905, ClinGen allele CA399013933.